The following is an entry in ClinVar:

NM_000038.6(APC):c.2516_2528del (p.Gly839fs)

Gene: APC (APC regulator of Wnt signaling pathway; plus strand). Cytogenetic location: 5q22.2.
Variant type: Deletion.
Coding change: c.2516_2528del on transcript NM_000038.6 (MANE Select); coding-DNA positions 2516 to 2528, 13 bases deleted (GAAGCTTAGATAG).
Protein change: p.Gly839fs; shifts the reading frame from glycine 839.
Molecular consequence: frameshift variant. On other transcripts: non-coding transcript variant (2).
Genome position (GRCh38, 1-based): chr5:112,838,110-112,838,122, GAAGCTTAGATAG deleted; deleting any 13 consecutive bases within chr5:112,838,108-112,838,122 gives the same sequence; the c. name uses the placement nearest the transcript's 3' end. VCF-style (leftmost placement, unchanged base first): chr5-112838107-GAGGAAGCTTAGAT-G. GRCh37 (hg19) VCF-style: chr5-112173804-GAGGAAGCTTAGAT-G.
Other names: c.2516_2528delGAAGCTTAGATAG (NM_000038.5); c.2516_2528del, p.Gly839fs (NM_001127510.3, NM_001354895.2, NM_001407450.1); c.2462_2474del, p.Gly821fs (NM_001127511.3); c.2570_2582del, p.Gly857fs (NM_001354896.2, NM_001407447.1, NM_001407448.1 and 1 more transcripts); c.2546_2558del, p.Gly849fs (NM_001354897.2); c.2441_2453del, p.Gly814fs (NM_001354898.2); c.2432_2444del, p.Gly811fs (NM_001354899.2); c.2393_2405del, p.Gly798fs (NM_001354900.2); and 12 more; short protein forms G455fs, G556fs, G679fs, G710fs, G713fs, G738fs, G748fs, G756fs.
Identifiers: ClinVar variation 2584022 (VCV002584022.3), dbSNP rs2533428670, ClinGen allele CA2582341474.

ClinVar aggregate classification (germline): Pathogenic/Likely pathogenic. Review status: criteria provided, multiple submitters, no conflicts (2 of 4 stars). 2 submissions from 2 submitters: Pathogenic (1); Likely pathogenic (1). Last evaluated 2025-02-18.

Conditions:
Familial adenomatous polyposis 1 (FAP1). Also called: FAMILIAL ADENOMATOUS POLYPOSIS 1, ATTENUATED; POLYPOSIS, ADENOMATOUS INTESTINAL. Identifiers: MedGen C2713442, MONDO:0021056, OMIM 175100. Disease mechanism: loss of function.
Hereditary cancer-predisposing syndrome. Also called: Hereditary neoplastic syndrome; Tumor predisposition; Hereditary Cancer Syndrome; Neoplastic Syndromes, Hereditary. Identifiers: Orphanet 140162, MedGen C0027672, MeSH D009386, MONDO:0015356.

Submissions (2):

Ambry Genetics
Classification: Likely pathogenic for Hereditary cancer-predisposing syndrome. Last evaluated: 2025-02-18. Review status: criteria provided, single submitter. Criteria: Ambry Variant Classification Scheme 2023. Collection method: clinical testing. Allele origin: germline.
Comment: The c.2516_2528del13 variant, located in coding exon 15 of the APC gene, results from a deletion of 13 nucleotides at nucleotide positions 2516 to 2528, causing a translational frameshift with a predicted alternate stop codon (p.G839Vfs*18). This alteration occurs at the 3' terminus of theAPC gene, is not expected to trigger nonsense-mediated mRNA decay, and impacts the last 2005 amino acids of the protein. However, premature stop codons are typically deleterious in nature and a significant portion of the protein is affected (Ambry internal data). This variant is considered to be rare based on population cohorts in the Genome Aggregation Database (gnomAD). Based on the majority of available evidence to date, this variant is likely to be pathogenic.

Myriad Genetics, Inc.
Classification: Pathogenic for Familial adenomatous polyposis 1. Last evaluated: 2023-05-04. Review status: criteria provided, single submitter. Criteria: Myriad Autosomal Dominant, Autosomal Recessive and X-Linked Classification Criteria (2023). Collection method: clinical testing. Allele origin: unknown.
Comment: This variant is considered pathogenic. This variant creates a frameshift predicted to result in premature protein truncation.